The following is an entry in ClinVar:

ClinVar aggregate classification (germline): Uncertain significance (1 of 4 stars; one submission).

gnomAD v4.1: 3 of 1,328,790 alleles (0.00023%); highest among the groups gnomAD compares: South Asian, 0.0022%; no homozygotes.

Submission:

Labcorp Genetics (formerly Invitae), Labcorp
Classification: Uncertain significance. Last evaluated: 2024-03-19. Review status: criteria provided, single submitter. Criteria: Invitae Variant Classification Sherloc (09022015). Collection method: clinical testing. Allele origin: germline.
Comment: This sequence change replaces alanine, which is neutral and non-polar, with valine, which is neutral and non-polar, at codon 202 of the IRF2BP2 protein (p.Ala202Val). This variant is not present in population databases (gnomAD no frequency). This variant has not been reported in the literature in individuals affected with IRF2BP2-related conditions. An algorithm developed to predict the effect of missense changes on protein structure and function (PolyPhen-2) suggests that this variant is likely to be disruptive. In summary, the available evidence is currently insufficient to determine the role of this variant in disease. Therefore, it has been classified as a Variant of Uncertain Significance.

NM_182972.3(IRF2BP2):c.605C>T (p.Ala202Val)

Genes: IRF2BP2 (interferon regulatory factor 2 binding protein 2; minus strand), LOC129932811 (ATAC-STARR-seq lymphoblastoid silent region 1976; plus strand). Cytogenetic location: 1q42.3.
Variant type: single nucleotide variant.
Coding change: c.605C>T on transcript NM_182972.3 (MANE Select); coding-DNA position 605, C replaced by T.
Protein change: p.Ala202Val; replaces alanine 202 with valine.
Molecular consequence: missense variant.
Genome position (GRCh38, 1-based): chr1:234,608,890, G>A on the plus strand (C>T on the coding strand, the complement: IRF2BP2 is on the minus strand). VCF-style: chr1-234608890-G-A. GRCh37 (hg19) VCF-style: chr1-234744636-G-A.
Other names: c.605C>T, p.Ala202Val (NM_001077397.1); short protein forms A202V.
Identifiers: ClinVar variation 3645712 (VCV003645712.2).